The following is an entry in ClinVar:

ClinVar aggregate classification (germline): Likely benign. Review status: criteria provided, multiple submitters, no conflicts (2 of 4 stars). 2 submissions from 2 submitters: Likely benign (2). Last evaluated 2023-08-30.

Conditions:
Spastic paraplegia. Identifiers: MedGen C0037772, HP:0001258.

gnomAD v4.1: 2 of 1,613,158 alleles (0.00012%); highest among the groups gnomAD compares: East Asian, 0.0022%; no homozygotes.

Submissions (2):

Labcorp Genetics (formerly Invitae), Labcorp
Classification: Likely benign for Spastic paraplegia. Last evaluated: 2023-08-30. Review status: criteria provided, single submitter. Criteria: Invitae Variant Classification Sherloc (09022015). Collection method: clinical testing. Allele origin: germline.

CeGaT Center for Human Genetics Tuebingen
Classification: Likely benign. Last evaluated: 2022-05-01. Review status: criteria provided, single submitter. Criteria: CeGaT Center For Human Genetics Tuebingen Variant Classification Criteria Version 2. Collection method: clinical testing. Allele origin: germline. Affected: yes. Observed: 1 variant allele.
Comment: ZFYVE26: BP4, BP7

NM_015346.4(ZFYVE26):c.5880G>A (p.Arg1960=)

Gene: ZFYVE26 (zinc finger FYVE-type containing 26; minus strand). Cytogenetic location: 14q24.1.
Variant type: single nucleotide variant.
Coding change: c.5880G>A on transcript NM_015346.4 (MANE Select); coding-DNA position 5880, G replaced by A.
Protein change: p.Arg1960=; no amino-acid change (arginine 1960 retained).
Molecular consequence: synonymous variant.
Genome position (GRCh38, 1-based): chr14:67,766,358, C>T on the plus strand (G>A on the coding strand, the complement: ZFYVE26 is on the minus strand). VCF-style: chr14-67766358-C-T. GRCh37 (hg19) VCF-style: chr14-68233075-C-T.
Identifiers: ClinVar variation 1665517 (VCV001665517.31), dbSNP rs751183425, ClinGen allele CA7239367.